The following is an entry in ClinVar:

ClinVar aggregate classification (germline): Uncertain significance (1 of 4 stars; one submission).

Conditions:
Hyperkalemic periodic paralysis. Also called: Familial hyperkalemic periodic paralysis; Gamstorp disease. Identifiers: Orphanet 682, MedGen C0238357, MONDO:0008224, OMIM 170500, HP:0007215.

Allele frequency attached by ClinVar (database versions not stated): ExAC 0.00001; gnomAD exomes 0.00001; gnomAD 0.00002; TOPMed 0.00002.
gnomAD v4.1: 11 of 1,613,952 alleles (0.00068%); highest among the groups gnomAD compares: Non-Finnish European, 0.00093%; no homozygotes.

Submission:

Labcorp Genetics (formerly Invitae), Labcorp
Classification: Uncertain significance for Hyperkalemic periodic paralysis. Last evaluated: 2024-03-18. Review status: criteria provided, single submitter. Criteria: Invitae Variant Classification Sherloc (09022015). Collection method: clinical testing. Allele origin: germline.
Comment: This sequence change replaces phenylalanine, which is neutral and non-polar, with leucine, which is neutral and non-polar, at codon 1412 of the SCN4A protein (p.Phe1412Leu). This variant is present in population databases (rs747252041, gnomAD 0.003%). This variant has not been reported in the literature in individuals affected with SCN4A-related conditions. ClinVar contains an entry for this variant (Variation ID: 1064108). Advanced modeling of protein sequence and biophysical properties (such as structural, functional, and spatial information, amino acid conservation, physicochemical variation, residue mobility, and thermodynamic stability) performed at Invitae indicates that this missense variant is expected to disrupt SCN4A protein function with a positive predictive value of 95%. In summary, the available evidence is currently insufficient to determine the role of this variant in disease. Therefore, it has been classified as a Variant of Uncertain Significance.

NM_000334.4(SCN4A):c.4236C>A (p.Phe1412Leu)

Genes: SCN4A (sodium voltage-gated channel alpha subunit 4; minus strand), GH-LCR (growth hormone locus control region; plus strand). Cytogenetic location: 17q23.3.
Variant type: single nucleotide variant.
Coding change: c.4236C>A on transcript NM_000334.4 (MANE Select); coding-DNA position 4236, C replaced by A.
Protein change: p.Phe1412Leu; replaces phenylalanine 1412 with leucine.
Molecular consequence: missense variant.
Genome position (GRCh38, 1-based): chr17:63,942,878, G>T on the plus strand (C>A on the coding strand, the complement: SCN4A is on the minus strand). VCF-style: chr17-63942878-G-T. GRCh37 (hg19) VCF-style: chr17-62020238-G-T.
Other names: short protein forms F1412L.
Identifiers: ClinVar variation 1064108 (VCV001064108.9), dbSNP rs747252041, ClinGen allele CA8709032.